The following is an entry in ClinVar:

ClinVar aggregate classification (germline): Pathogenic (1 of 4 stars; one submission).

Conditions:
Anemia, nonspherocytic hemolytic, due to G6PD deficiency (CNSHA1). Also called: Hemolytic anemia due to G6PD deficiency; Class I glucose-6-phosphate dehydrogenase deficiency; Favism, susceptibility to; ANEMIA, CONGENITAL, NONSPHEROCYTIC HEMOLYTIC, 1. Identifiers: Orphanet 466026, MedGen C2720289, MONDO:0010480, OMIM 300908.

Submission:

Dunham Lab, University of Washington
Classification: Pathogenic for Anemia, nonspherocytic hemolytic, due to G6PD deficiency. Last evaluated: 2022-08-12. Review status: criteria provided, single submitter. Criteria: Bayesian ACMG Guidelines, 2018. Collection method: curation. Allele origin: maternal. Affected: yes.
Comment: Decreased activity in red blood cells (PS3). Within dimer interface (PM1). Predicted to be possibly damaging or deleterious by several in silico tools (PP3). Not found in gnomAD (PM2). Post_P 0.997 (odds of pathogenicity 3155, Prior_P 0.1).

Literature cited by the submitters: PubMed 7655862; PubMed 28028996; PubMed 31294066.

NM_001360016.2(G6PD):c.1138A>G (p.Ile380Val)

Gene: G6PD (glucose-6-phosphate dehydrogenase; minus strand). Cytogenetic location: Xq28.
Variant type: single nucleotide variant.
Coding change: c.1138A>G on transcript NM_001360016.2 (MANE Select); coding-DNA position 1138, A replaced by G.
Protein change: p.Ile380Val; replaces isoleucine 380 with valine.
Molecular consequence: missense variant.
Genome position (GRCh38, 1-based): chrX:154,532,716, T>C on the plus strand (A>G on the coding strand, the complement: G6PD is on the minus strand). VCF-style: chrX-154532716-T-C. GRCh37 (hg19) VCF-style: chrX-153760931-T-C.
Other names: G6PD Calvo Mackenna; c.1228A>G, p.Ile410Val (NM_000402.4); c.1138A>G, p.Ile380Val (NM_001042351.3); short protein forms I380V, I410V.
Identifiers: ClinVar variation 1722668 (VCV001722668.2), dbSNP rs2523262871, ClinGen allele CA415234143.